The following is an entry in ClinVar:

ClinVar aggregate classification (germline): Pathogenic (1 of 4 stars; one submission).

Submission:

Labcorp Genetics (formerly Invitae), Labcorp
Classification: Pathogenic. Last evaluated: 2022-07-30. Review status: criteria provided, single submitter. Criteria: Invitae Variant Classification Sherloc (09022015). Collection method: clinical testing. Allele origin: germline.
Comment: For these reasons, this variant has been classified as Pathogenic. This variant has not been reported in the literature in individuals affected with CDH23-related conditions. This variant is present in population databases (no rsID available, gnomAD 0.006%). This sequence change creates a premature translational stop signal (p.Lys1255Serfs*14) in the CDH23 gene. It is expected to result in an absent or disrupted protein product. Loss-of-function variants in CDH23 are known to be pathogenic (PMID: 11138009, 21940737).

Literature cited by the submitters: PubMed 11138009; PubMed 21940737.

NM_022124.6(CDH23):c.3762del (p.Lys1255fs)

Genes: C10orf105 (chromosome 10 open reading frame 105; minus strand), CDH23 (cadherin related 23; plus strand). Cytogenetic location: 10q22.1.
Variant type: Deletion.
Coding change: c.3762del on transcript NM_022124.6 (MANE Select); coding-DNA position 3762, one base deleted (G; older notation c.3762delG).
Protein change: p.Lys1255fs; shifts the reading frame from lysine 1255.
Molecular consequence: frameshift variant. On other transcripts: intron variant (1).
Genome position (GRCh38, 1-based): chr10:71,732,033, G deleted; the last of 4 consecutive G bases (chr10:71,732,030-71,732,033); deleting any one gives the same sequence. VCF-style (leftmost placement, unchanged base first): chr10-71732029-AG-A. GRCh37 (hg19) VCF-style: chr10-73491786-AG-A.
Other names: c.3762del, p.Lys1255fs (NM_001171930.2); c.-6+5698del (NM_001168390.2); short protein forms K1255fs.
Identifiers: ClinVar variation 2012237 (VCV002012237.4), dbSNP rs33998064, ClinGen allele CA594705709.